The following is an entry in ClinVar:

ClinVar aggregate classification (germline): Conflicting classifications of pathogenicity. Review status: criteria provided, conflicting classifications (1 of 4 stars). 4 submissions from 4 submitters: Uncertain significance (3); Likely benign (1). Last evaluated 2025-07-14.

Conditions:
Hereditary cancer-predisposing syndrome. Also called: Tumor predisposition; Hereditary neoplastic syndrome; Hereditary Cancer Syndrome; Neoplastic Syndromes, Hereditary. Identifiers: Orphanet 140162, MedGen C0027672, MeSH D009386, MONDO:0015356.
Hereditary nonpolyposis colorectal neoplasms. Identifiers: MedGen C0009405, MeSH D003123.

Allele frequency attached by ClinVar (database versions not stated): TOPMed below 0.00001; gnomAD 0.00001.
gnomAD v4.1: 2 of 1,614,076 alleles (0.00012%); highest among the groups gnomAD compares: African/African-American, 0.0013%; no homozygotes.

Submissions (4):

Labcorp Genetics (formerly Invitae), Labcorp
Classification: Likely benign for Hereditary nonpolyposis colorectal neoplasms. Last evaluated: 2025-07-14. Review status: criteria provided, single submitter. Criteria: Invitae Variant Classification Sherloc (09022015). Collection method: clinical testing. Allele origin: germline.

Ambry Genetics
Classification: Uncertain significance for Hereditary cancer-predisposing syndrome. Last evaluated: 2024-04-04. Review status: criteria provided, single submitter. Criteria: Ambry Variant Classification Scheme 2023. Collection method: clinical testing. Allele origin: germline.
Comment: The p.V1260A variant (also known as c.3779T>C), located in coding exon 8 of the MSH6 gene, results from a T to C substitution at nucleotide position 3779. The valine at codon 1260 is replaced by alanine, an amino acid with similar properties. This amino acid position is not well conserved in available vertebrate species. In addition, this alteration is predicted to be tolerated by in silico analysis. Since supporting evidence is limited at this time, the clinical significance of this alteration remains unclear.

Color Diagnostics, LLC DBA Color Health
Classification: Uncertain significance for Hereditary cancer-predisposing syndrome. Last evaluated: 2024-03-06. Review status: criteria provided, single submitter. Criteria: ACMG Guidelines, 2015. Collection method: clinical testing. Allele origin: germline.
Comment: This missense variant replaces valine with alanine at codon 1260 of the MSH6 protein. Computational prediction suggests that this variant may not impact protein structure and function (internally defined REVEL score threshold <= 0.5, PMID: 27666373). To our knowledge, functional studies have not been reported for this variant. This variant has not been reported in individuals affected with hereditary cancer in the literature. This variant has been identified in 1/31400 chromosomes in the general population by the Genome Aggregation Database (gnomAD). The available evidence is insufficient to determine the role of this variant in disease conclusively. Therefore, this variant is classified as a Variant of Uncertain Significance.

Women's Health and Genetics/Laboratory Corporation of America, LabCorp
Classification: Uncertain significance. Last evaluated: 2023-10-29. Review status: criteria provided, single submitter. Criteria: LabCorp Variant Classification Summary - May 2015. Collection method: clinical testing. Allele origin: germline.

NM_000179.3(MSH6):c.3779T>C (p.Val1260Ala)

Gene: MSH6 (mutS homolog 6; plus strand). Cytogenetic location: 2p16.3.
Variant type: single nucleotide variant.
Coding change: c.3779T>C on transcript NM_000179.3 (MANE Select); coding-DNA position 3779, T replaced by C.
Protein change: p.Val1260Ala; replaces valine 1260 with alanine.
Molecular consequence: missense variant.
Genome position (GRCh38, 1-based): chr2:47,806,336, T>C. VCF-style: chr2-47806336-T-C. GRCh37 (hg19) VCF-style: chr2-48033475-T-C.
Other names: c.3389T>C, p.Val1130Ala (NM_001281492.2); c.2873T>C, p.Val958Ala (NM_001281493.2, NM_001281494.2); short protein forms V1260A, V1130A, V958A.
Identifiers: ClinVar variation 575489 (VCV000575489.27), dbSNP rs1212740618, ClinGen allele CA346761150.
Genomic context (GRCh38, chr2:47,806,336, plus strand): 5'-AATGTCGTACATTATTTTCAACTCACTACCATTCATTAGTAGAAGATTATTCTCAAAATG[T>C]TGCTGTGCGCCTAGGACATATGGTATGTGCAAATTGTTTTTTTCCACAAATTCGGTTTTT-3'
Protein context (NP_000170.1, residues 1250-1270): HSLVEDYSQN[Val1260Ala]AVRLGHMACM